The following is an entry in ClinVar:

NM_001519.4(BRF1):c.1515+5G>A

Gene: BRF1 (BRF1 general transcription factor IIIB subunit; minus strand). Cytogenetic location: 14q32.33.
Variant type: single nucleotide variant.
Coding change: c.1515+5G>A on transcript NM_001519.4 (MANE Select); 5 bases into the intron after coding-DNA position 1515, G replaced by A.
Molecular consequence: intron variant.
Genome position (GRCh38, 1-based): chr14:105,218,993, C>T on the plus strand (G>A on the coding strand, the complement: BRF1 is on the minus strand). VCF-style: chr14-105218993-C-T. GRCh37 (hg19) VCF-style: chr14-105685330-C-T.
Other names: c.1170+5G>A (NM_001242787.2); c.1236+5G>A (NM_001242786.2); c.1434+5G>A (NM_001242788.2); c.801+5G>A (NM_001242789.2); c.903+5G>A (NM_145685.3).
Identifiers: ClinVar variation 3900420 (VCV003900420.1).

ClinVar aggregate classification (germline): Uncertain significance (1 of 4 stars; one submission).

Submission:

GeneDx
Classification: Uncertain significance. Last evaluated: 2024-11-20. Review status: criteria provided, single submitter. Criteria: GeneDx Variant Classification Process June 2021. Collection method: clinical testing. Allele origin: germline. Affected: yes.
Comment: Not observed at significant frequency in large population cohorts (gnomAD); Has not been previously published as pathogenic or benign to our knowledge; In silico analysis suggests this variant may impact gene splicing. In the absence of RNA/functional studies, the actual effect of this sequence change is unknown.